The following is an entry in ClinVar:

ClinVar aggregate classification (germline): Uncertain significance (1 of 4 stars; one submission).

Conditions:
Hereditary spastic paraplegia 11. Also called: Spastic Paraplegia 11; SPASTIC PARAPLEGIA, AUTOSOMAL RECESSIVE, COMPLICATED, WITH THIN CORPUS CALLOSUM; SPASTIC PARAPLEGIA, AUTOSOMAL RECESSIVE, WITH MENTAL IMPAIRMENT AND THIN CORPUS CALLOSUM; Spastic paraplegia, mental retardation and thin corpus callosum; Nakamura Osame syndrome; Autosomal recessive hereditary spastic paraplegia, mental impairment, and thin corpus callosum. Identifiers: Orphanet 2822, MedGen C1858479, MONDO:0011445, OMIM 604360.

Submission:

Labcorp Genetics (formerly Invitae), Labcorp
Classification: Uncertain significance for Hereditary spastic paraplegia 11. Last evaluated: 2021-06-04. Review status: criteria provided, single submitter. Criteria: Invitae Variant Classification Sherloc (09022015). Collection method: clinical testing. Allele origin: germline.
Comment: Algorithms developed to predict the effect of missense changes on protein structure and function are either unavailable or do not agree on the potential impact of this missense change (SIFT: "Tolerated"; PolyPhen-2: "Probably Damaging"; Align-GVGD: "Class C0"). This sequence change replaces serine with cysteine at codon 276 of the SPG11 protein (p.Ser276Cys). The serine residue is moderately conserved and there is a moderate physicochemical difference between serine and cysteine. This variant is not present in population databases (ExAC no frequency). This variant has not been reported in the literature in individuals with SPG11-related disease. In summary, the available evidence is currently insufficient to determine the role of this variant in disease. Therefore, it has been classified as a Variant of Uncertain Significance.

NM_025137.4(SPG11):c.827C>G (p.Ser276Cys)

Gene: SPG11 (SPG11 vesicle trafficking associated, spatacsin; minus strand). Cytogenetic location: 15q21.1.
Variant type: single nucleotide variant.
Coding change: c.827C>G on transcript NM_025137.4 (MANE Select); coding-DNA position 827, C replaced by G.
Protein change: p.Ser276Cys; replaces serine 276 with cysteine.
Molecular consequence: missense variant.
Genome position (GRCh38, 1-based): chr15:44,657,137, G>C on the plus strand (C>G on the coding strand, the complement: SPG11 is on the minus strand). VCF-style: chr15-44657137-G-C. GRCh37 (hg19) VCF-style: chr15-44949335-G-C.
Other names: c.827C>G, p.Ser276Cys (NM_001160227.2); short protein forms S276C.
Identifiers: ClinVar variation 649339 (VCV000649339.8), dbSNP rs1595935078, ClinGen allele CA392237205.